The following is an entry in ClinVar:

ClinVar aggregate classification (germline): Likely pathogenic (1 of 4 stars; one submission).

Conditions:
Neurofibromatosis, type 1 (NF1). Also called: Peripheral type neurofibromatosis; VON RECKLINGHAUSEN DISEASE; NEUROFIBROMATOSIS, TYPE I, SOMATIC; Neurofibromatosis, type I. Identifiers: Orphanet 636, MedGen C0027831, MONDO:0018975, OMIM 162200. Disease mechanism: loss of function.

Submission:

3billion
Classification: Likely pathogenic for Neurofibromatosis, type 1. Last evaluated: 2023-09-04. Review status: criteria provided, single submitter. Criteria: ACMG Guidelines, 2015. Collection method: clinical testing. Allele origin: germline. Affected: yes.
Comment: The variant is not observed in the gnomAD v2.1.1 dataset. Predicted Consequence/Location: Frameshift: predicted to result in a loss or disruption of normal protein function through nonsense-mediated decay (NMD) or protein truncation. Multiple pathogenic variants are reported downstream of the variant. Therefore, this variant is classified as Likely pathogenic according to the recommendation of ACMG/AMP guideline.

NM_001042492.3(NF1):c.3912_3913dup (p.Leu1305fs)

Gene: NF1 (neurofibromin 1; plus strand). Cytogenetic location: 17q11.2.
Variant type: Duplication.
Coding change: c.3912_3913dup on transcript NM_001042492.3 (MANE Select); coding-DNA positions 3912 to 3913, 2 bases duplicated (AT; older notation c.3912_3913dupAT).
Protein change: p.Leu1305fs; shifts the reading frame from leucine 1305.
Molecular consequence: frameshift variant.
Genome position (GRCh38, 1-based): chr17:31,235,959-31,235,960, AT duplicated; duplicating any 2 consecutive bases within chr17:31,235,958-31,235,960 gives the same sequence; the c. name uses the placement nearest the transcript's 3' end. VCF-style (leftmost placement, unchanged base first): chr17-31235957-T-TTA. GRCh37 (hg19) VCF-style: chr17-29562975-T-TTA.
Other names: c.3912_3913dup, p.Leu1305Tyrfs (NM_000267.4); short protein forms L1305fs.
Identifiers: ClinVar variation 3775461 (VCV003775461.1).